The following is an entry in ClinVar:

NM_001130823.3(DNMT1):c.3898C>G (p.Leu1300Val)

Gene: DNMT1 (DNA methyltransferase 1; minus strand). Cytogenetic location: 19p13.2.
Variant type: single nucleotide variant.
Coding change: c.3898C>G on transcript NM_001130823.3 (MANE Select); coding-DNA position 3898, C replaced by G.
Protein change: p.Leu1300Val; replaces leucine 1300 with valine.
Molecular consequence: missense variant.
Genome position (GRCh38, 1-based): chr19:10,139,726, G>C on the plus strand (C>G on the coding strand, the complement: DNMT1 is on the minus strand). VCF-style: chr19-10139726-G-C. GRCh37 (hg19) VCF-style: chr19-10250402-G-C.
Other names: c.3850C>G, p.Leu1284Val (NM_001318730.2, NM_001379.4); c.3535C>G, p.Leu1179Val (NM_001318731.2); short protein forms L1284V, L1179V, L1300V.
Identifiers: ClinVar variation 2195753 (VCV002195753.4), dbSNP rs1665602216, ClinGen allele CA403972311.
Genomic context (GRCh38, chr19:10,139,726, plus strand): 5'-CAGGGCCCACCTGCAGCACGCCGAAGGTGCACTGATAGCCCATGCGGACCAGGCAGCGGA[G>C]GGTGAGCTTCAGGACCATGGAGCGCTTGAAGGAGACAAAGTTCCTGACATTCTCCAGGAG-3'
Protein context (NP_001124295.1, residues 1290-1310): FKRSMVLKLT[Leu1300Val]RCLVRMGYQC

ClinVar aggregate classification (germline): Uncertain significance (1 of 4 stars; one submission).

Conditions:
Hereditary sensory neuropathy-deafness-dementia syndrome. Also called: NEUROPATHY, HEREDITARY SENSORY, WITH HEARING LOSS AND DEMENTIA; Hereditary sensory neuropathy type IE; HSN IE; Hereditary Sensory and Autonomic Neuropathy Type 1E (HSAN1E). Identifiers: Orphanet 456318, MedGen C3279885, MONDO:0013584, OMIM 614116.

Allele frequency attached by ClinVar (database versions not stated): gnomAD 0.00001.
gnomAD v4.1: 1 of 1,613,492 alleles (0.000062%); highest among the groups gnomAD compares: Admixed American, 0.0017%; no homozygotes.

Submission:

Labcorp Genetics (formerly Invitae), Labcorp
Classification: Uncertain significance for Hereditary sensory neuropathy-deafness-dementia syndrome. Last evaluated: 2024-09-05. Review status: criteria provided, single submitter. Criteria: Invitae Variant Classification Sherloc (09022015). Collection method: clinical testing. Allele origin: germline.
Comment: This sequence change replaces leucine, which is neutral and non-polar, with valine, which is neutral and non-polar, at codon 1300 of the DNMT1 protein (p.Leu1300Val). This variant is not present in population databases (gnomAD no frequency). This variant has not been reported in the literature in individuals affected with DNMT1-related conditions. ClinVar contains an entry for this variant (Variation ID: 2195753). Invitae Evidence Modeling of protein sequence and biophysical properties (such as structural, functional, and spatial information, amino acid conservation, physicochemical variation, residue mobility, and thermodynamic stability) indicates that this missense variant is not expected to disrupt DNMT1 protein function with a negative predictive value of 80%. In summary, the available evidence is currently insufficient to determine the role of this variant in disease. Therefore, it has been classified as a Variant of Uncertain Significance.